The following is an entry in ClinVar:

ClinVar aggregate classification (germline): Uncertain significance. Review status: criteria provided, multiple submitters, no conflicts (2 of 4 stars). 2 submissions from 2 submitters: Uncertain significance (2). Last evaluated 2025-12-17.

Conditions:
KMT2A-related disorder. Also called: KMT2A-related condition.

Allele frequency attached by ClinVar (database versions not stated): gnomAD 0.00001; TOPMed below 0.00001.
gnomAD v4.1: 5 of 1,614,014 alleles (0.00031%); highest among the groups gnomAD compares: Non-Finnish European, 0.00042%; no homozygotes.

Submissions (2):

Labcorp Genetics (formerly Invitae), Labcorp
Classification: Uncertain significance. Last evaluated: 2025-12-17. Review status: criteria provided, single submitter. Criteria: Invitae Variant Classification Sherloc (09022015). Collection method: clinical testing. Allele origin: germline.
Comment: This sequence change replaces serine, which is neutral and polar, with threonine, which is neutral and polar, at codon 3561 of the KMT2A protein (p.Ser3561Thr). This variant is present in population databases (no rsID available, gnomAD 0.0009%). This variant has not been reported in the literature in individuals affected with KMT2A-related conditions. ClinVar contains an entry for this variant (Variation ID: 2628555). Invitae Evidence Modeling of protein sequence and biophysical properties (such as structural, functional, and spatial information, amino acid conservation, physicochemical variation, residue mobility, and thermodynamic stability) indicates that this missense variant is not expected to disrupt KMT2A protein function with a negative predictive value of 95%. In summary, the available evidence is currently insufficient to determine the role of this variant in disease. Therefore, it has been classified as a Variant of Uncertain Significance.

PreventionGenetics, part of Exact Sciences
Classification: Uncertain significance for KMT2A-related condition. Last evaluated: 2022-10-12. Review status: criteria provided, single submitter. Criteria: ACMG Guidelines, 2015. Collection method: clinical testing. Allele origin: germline.
Comment: The KMT2A c.10681T>A variant is predicted to result in the amino acid substitution p.Ser3561Thr. To our knowledge, this variant has not been reported in the literature. This variant is reported in 0.00088% of alleles in individuals of European (Non-Finnish) descent in gnomAD. At this time, the clinical significance of this variant is uncertain due to the absence of conclusive functional and genetic evidence.

NM_001197104.2(KMT2A):c.10681T>A (p.Ser3561Thr)

Gene: KMT2A (lysine methyltransferase 2A; plus strand). Cytogenetic location: 11q23.3.
Variant type: single nucleotide variant.
Coding change: c.10681T>A on transcript NM_001197104.2 (MANE Select); coding-DNA position 10681, T replaced by A.
Protein change: p.Ser3561Thr; replaces serine 3561 with threonine.
Molecular consequence: missense variant.
Genome position (GRCh38, 1-based): chr11:118,506,573, T>A. VCF-style: chr11-118506573-T-A. GRCh37 (hg19) VCF-style: chr11-118377288-T-A.
Other names: c.10771T>A, p.Ser3591Thr (NM_001412597.1); c.10672T>A, p.Ser3558Thr (NM_005933.4); short protein forms S3558T, S3561T, S3591T.
Identifiers: ClinVar variation 2628555 (VCV002628555.4), dbSNP rs1555048544, ClinGen allele CA382826753.